The following is an entry in ClinVar:

NM_000937.5(POLR2A):c.4051G>C (p.Asp1351His)

Genes: POLR2A (RNA polymerase II subunit A; plus strand), LOC126862482 (CDK7 strongly-dependent group 2 enhancer GRCh37_chr17:7414586-7415785; plus strand). Cytogenetic location: 17p13.1.
Variant type: single nucleotide variant.
Coding change: c.4051G>C on transcript NM_000937.5 (MANE Select); coding-DNA position 4051, G replaced by C.
Protein change: p.Asp1351His; replaces aspartic acid 1351 with histidine.
Molecular consequence: missense variant.
Genome position (GRCh38, 1-based): chr17:7,511,538, G>C. VCF-style: chr17-7511538-G-C. GRCh37 (hg19) VCF-style: chr17-7414857-G-C.
Other names: c.4051G>C (NM_000937.4); short protein forms D1351H.
Identifiers: ClinVar variation 4845508 (VCV004845508.2).
Genomic context (GRCh38, chr17:7,511,538, plus strand): 5'-CTGCAGGAGTGGATCCTGGAGACGGACGGCGTGAGCTTGATGCGGGTGCTGAGTGAGAAG[G>C]ACGTGGACCCCGTACGCACCACGTCCAATGACATTGTGGAGATCTTCACGGTGAGCCCGT-3'
Protein context (NP_000928.1, residues 1341-1361): VSLMRVLSEK[Asp1351His]VDPVRTTSND

ClinVar aggregate classification (germline): Uncertain significance. Review status: criteria provided, multiple submitters, no conflicts (2 of 4 stars). 2 submissions from 2 submitters: Uncertain significance (2). Last evaluated 2026-07-12.

Conditions:
POLR2A-related disorder. Also called: POLR2A-related condition.

Submissions (2):

PreventionGenetics, part of Exact Sciences
Classification: Uncertain significance for POLR2A-related condition. Last evaluated: 2026-07-12. Review status: criteria provided, single submitter. Criteria: ACMG Guidelines, 2015. Collection method: clinical testing. Allele origin: germline.
Comment: The POLR2A c.4051G>C variant is predicted to result in the amino acid substitution p.Asp1351His. To our knowledge, this variant has not been reported in the literature or in a large population database (gnomAD), indicating this variant is rare. At this time, the clinical significance of this variant is uncertain due to the absence of conclusive functional and genetic evidence.

Greenwood Genetic Center Diagnostic Laboratories, Greenwood Genetic Center
Classification: Uncertain significance. Last evaluated: 2025-12-04. Review status: criteria provided, single submitter. Criteria: ACMG Guidelines, 2015. Collection method: clinical testing. Allele origin: germline. Affected: yes.
Comment: PM2, PP2